The following is an entry in ClinVar:

ClinVar aggregate classification (germline): other (0 of 4 stars; one submission).

Conditions:
Familial colorectal cancer. Identifiers: MedGen CN280943, MONDO:0023113. Disease mechanism: loss of function.

Submission:

Systems Biology Platform Zhejiang California International NanoSystems Institute
Classification: other for Familial colorectal cancer. Review status: no assertion criteria provided. Collection method: not provided. Allele origin: unknown.
ClinVar note: Converted during submission from cancer to other.

NM_000038.6(APC):c.730-167A>C

Gene: APC (APC regulator of WNT signaling pathway; plus strand). Cytogenetic location: 5q22.2.
Variant type: single nucleotide variant.
Coding change: c.730-167A>C on transcript NM_000038.6 (MANE Select); 167 bases into the intron before coding-DNA position 730, A replaced by C.
Molecular consequence: intron variant.
Genome position (GRCh38, 1-based): chr5:112,801,112, A>C. VCF-style: chr5-112801112-A-C. GRCh37 (hg19) VCF-style: chr5-112136809-A-C.
Other names: c.730-167A>C (NM_001354895.2, NM_001127510.3, NM_001354896.2 and 1 more transcripts); c.760-167A>C (NM_001354897.2, NM_001354902.2); c.676-167A>C (NM_001127511.3); c.655-167A>C (NM_001354898.2, NM_001354904.2); c.-306-167A>C (NM_001354906.2); c.646-167A>C (NM_001354899.2); c.553-167A>C (NM_001354900.2, NM_001354901.2, NM_001354905.2).
Identifiers: ClinVar variation 82511 (VCV000082511.2), dbSNP rs78784580, ClinGen allele CA013369.
Genomic context (GRCh38, chr5:112,801,112, plus strand): 5'-GTCTCGTGCAGCTCTAATGCTCAAGGGACACACTTCACTTTCCCCTTACCGAGATAGTCG[A>C]CCGCCAATCGTACTGGAGGTTATGAAGTGTAATACACAGTTCCATGCCTTTATCAGTCTG-3'